The following is an entry in ClinVar:

ClinVar aggregate classification (germline): Likely benign (1 of 4 stars; one submission).

Submission:

CeGaT Center for Human Genetics Tuebingen
Classification: Likely benign. Last evaluated: 2026-04-01. Review status: criteria provided, single submitter. Criteria: CeGaT Center For Human Genetics Tuebingen Variant Classification Criteria Version 2. Collection method: clinical testing. Allele origin: germline. Affected: yes. Observed: 1 variant allele.
Comment: PLIN4: BP4, BS2

NM_001367868.2(PLIN4):c.1904A>G (p.Tyr635Cys)

Gene: PLIN4 (perilipin 4; minus strand). Cytogenetic location: 19p13.3.
Variant type: single nucleotide variant.
Coding change: c.1904A>G on transcript NM_001367868.2 (MANE Select); coding-DNA position 1904, A replaced by G.
Protein change: p.Tyr635Cys; replaces tyrosine 635 with cysteine.
Molecular consequence: missense variant.
Genome position (GRCh38, 1-based): chr19:4,512,056, T>C on the plus strand (A>G on the coding strand, the complement: PLIN4 is on the minus strand). VCF-style: chr19-4512056-T-C. GRCh37 (hg19) VCF-style: chr19-4512068-T-C.
Other names: c.1907A>G, p.Tyr636Cys (NM_001393888.1, NM_001393889.1); c.1904A>G, p.Tyr635Cys (NM_001393890.1, NM_001393891.1); short protein forms Y635C, Y636C.
Identifiers: ClinVar variation 4872682 (VCV004872682.2).
Genomic context (GRCh38, chr19:4,512,056, plus strand): 5'-GTTTTCAGCCCAGTTTGCACAGCCCCCTTGGCCACGTTCACGGCACTGGTGACCCCACTG[T>C]AGATGGTGTCCTTGGTACCGGTTAGGACAGTTTTGGTGGTGTCCATGCCTGTCTGGACGG-3'
Protein context (NP_001354797.1, residues 625-645): TVLTGTKDTI[Tyr635Cys]SGVTSAVNVA